The following is an entry in ClinVar:

ClinVar aggregate classification (germline): Uncertain significance (1 of 4 stars; one submission).

Allele frequency attached by ClinVar (database versions not stated): gnomAD exomes 0.00001.
gnomAD v4.1: 4 of 1,614,004 alleles (0.00025%); highest among the groups gnomAD compares: Non-Finnish European, 0.00034%; no homozygotes.

Submission:

Labcorp Genetics (formerly Invitae), Labcorp
Classification: Uncertain significance. Last evaluated: 2022-11-04. Review status: criteria provided, single submitter. Criteria: Invitae Variant Classification Sherloc (09022015). Collection method: clinical testing. Allele origin: germline.
Comment: In summary, the available evidence is currently insufficient to determine the role of this variant in disease. Therefore, it has been classified as a Variant of Uncertain Significance. Algorithms developed to predict the effect of sequence changes on RNA splicing suggest that this variant may create or strengthen a splice site. Advanced modeling of protein sequence and biophysical properties (such as structural, functional, and spatial information, amino acid conservation, physicochemical variation, residue mobility, and thermodynamic stability) has been performed at Invitae for this missense variant, however the output from this modeling did not meet the statistical confidence thresholds required to predict the impact of this variant on MED13 protein function. This variant has not been reported in the literature in individuals affected with MED13-related conditions. This variant is present in population databases (no rsID available, gnomAD 0.0009%). This sequence change replaces threonine, which is neutral and polar, with alanine, which is neutral and non-polar, at codon 2020 of the MED13 protein (p.Thr2020Ala).

NM_005121.3(MED13):c.6058A>G (p.Thr2020Ala)

Gene: MED13 (mediator complex subunit 13; minus strand). Cytogenetic location: 17q23.2.
Variant type: single nucleotide variant.
Coding change: c.6058A>G on transcript NM_005121.3 (MANE Select); coding-DNA position 6058, A replaced by G.
Protein change: p.Thr2020Ala; replaces threonine 2020 with alanine.
Molecular consequence: missense variant.
Genome position (GRCh38, 1-based): chr17:61,953,024, T>C on the plus strand (A>G on the coding strand, the complement: MED13 is on the minus strand). VCF-style: chr17-61953024-T-C. GRCh37 (hg19) VCF-style: chr17-60030385-T-C.
Other names: short protein forms T2020A.
Identifiers: ClinVar variation 2812099 (VCV002812099.3), dbSNP rs796556404, ClinGen allele CA400502167.